The following is an entry in ClinVar:

ClinVar aggregate classification (germline): Likely benign (0 of 4 stars; one submission).

Conditions:
PLEKHA7-related disorder. Also called: PLEKHA7-related condition.

Allele frequency attached by ClinVar (database versions not stated): TOPMed below 0.00001.
gnomAD v4.1: 6 of 1,613,680 alleles (0.00037%); highest among the groups gnomAD compares: Admixed American, 0.005%; no homozygotes.

Submission:

PreventionGenetics, part of Exact Sciences
Classification: Likely benign for PLEKHA7-related condition. Last evaluated: 2019-06-13. Review status: no assertion criteria provided. Collection method: clinical testing. Allele origin: germline.
Comment: This variant is classified as likely benign based on ACMG/AMP sequence variant interpretation guidelines (Richards et al. 2015 PMID: 25741868, with internal and published modifications).

NM_001329630.2(PLEKHA7):c.3219A>C (p.Ala1073=)

Gene: PLEKHA7 (pleckstrin homology domain containing A7; minus strand). Cytogenetic location: 11p15.2.
Variant type: single nucleotide variant.
Coding change: c.3219A>C on transcript NM_001329630.2 (MANE Select); coding-DNA position 3219, A replaced by C.
Protein change: p.Ala1073=; no amino-acid change (alanine 1073 retained).
Molecular consequence: synonymous variant.
Genome position (GRCh38, 1-based): chr11:16,789,234, T>G on the plus strand (A>C on the coding strand, the complement: PLEKHA7 is on the minus strand). VCF-style: chr11-16789234-T-G. GRCh37 (hg19) VCF-style: chr11-16810781-T-G.
Other names: c.3222A>C, p.Ala1074= (NM_001329631.2, NM_001410960.1); c.3219A>C, p.Ala1073= (NM_175058.5).
Identifiers: ClinVar variation 3034064 (VCV003034064.2), dbSNP rs756792088, ClinGen allele CA473269687.